The following is an entry in ClinVar:

ClinVar aggregate classification (germline): Pathogenic (1 of 4 stars; one submission).

Submission:

Labcorp Genetics (formerly Invitae), Labcorp
Classification: Pathogenic. Last evaluated: 2024-07-31. Review status: criteria provided, single submitter. Criteria: Invitae Variant Classification Sherloc (09022015). Collection method: clinical testing. Allele origin: germline.
Comment: This sequence change creates a premature translational stop signal (p.Trp128*) in the COL9A1 gene. It is expected to result in an absent or disrupted protein product. Loss-of-function variants in COL9A1 are known to be pathogenic (PMID: 16909383, 21421862). This variant is not present in population databases (gnomAD no frequency). This variant has not been reported in the literature in individuals affected with COL9A1-related conditions. For these reasons, this variant has been classified as Pathogenic.

Literature cited by the submitters: PubMed 16909383; PubMed 21421862.

NM_001851.6(COL9A1):c.384del (p.Asn127_Trp128insTer)

Gene: COL9A1 (collagen type IX alpha 1 chain; minus strand). Cytogenetic location: 6q13.
Variant type: Deletion.
Coding change: c.384del on transcript NM_001851.6 (MANE Select); coding-DNA position 384, one base deleted (G; older notation c.384delG).
Protein change: p.Asn127_Trp128insTer.
Molecular consequence: nonsense.
Genome position (GRCh38, 1-based): chr6:70,294,479, C deleted on the plus strand (G on the coding strand, the reverse complement: COL9A1 is on the minus strand); the first of 2 consecutive C bases (chr6:70,294,479-70,294,480); deleting either gives the same sequence. VCF-style (leftmost placement, unchanged base first): chr6-70294478-TC-T. GRCh37 (hg19) VCF-style: chr6-71004181-TC-T.
Other names: c.384del, p.Asn127_Trp128insTer (NM_001377291.1).
Identifiers: ClinVar variation 3661146 (VCV003661146.2).